The following is an entry in ClinVar:

NM_004006.3(DMD):c.626T>C (p.Ile209Thr)

Gene: DMD (dystrophin; minus strand). Cytogenetic location: Xp21.1.
Variant type: single nucleotide variant.
Coding change: c.626T>C on transcript NM_004006.3 (MANE Select); coding-DNA position 626, T replaced by C.
Protein change: p.Ile209Thr; replaces isoleucine 209 with threonine.
Molecular consequence: missense variant.
Genome position (GRCh38, 1-based): chrX:32,809,516, A>G on the plus strand (T>C on the coding strand, the complement: DMD is on the minus strand). VCF-style: chrX-32809516-A-G. GRCh37 (hg19) VCF-style: chrX-32827633-A-G.
Other names: c.602T>C, p.Ile201Thr (NM_000109.4); c.614T>C, p.Ile205Thr (NM_004009.3); c.257T>C, p.Ile86Thr (NM_004010.3); short protein forms I209T, I205T, I201T, I86T.
Identifiers: ClinVar variation 289587 (VCV000289587.21), dbSNP rs372832497, ClinGen allele CA10380113.

ClinVar aggregate classification (germline): Conflicting classifications of pathogenicity. Review status: criteria provided, conflicting classifications (1 of 4 stars). 8 submissions from 8 submitters: Uncertain significance (5); Likely benign (2). 1 of the submissions does not count toward it. Last evaluated 2026-04-01.

Conditions:
Becker muscular dystrophy (BMD). Also called: Becker Muscular Dystrophy (BMD); MUSCULAR DYSTROPHY, PSEUDOHYPERTROPHIC PROGRESSIVE, BECKER TYPE. Identifiers: Orphanet 98895, MedGen C0917713, MONDO:0010311, OMIM 300376.
Dystrophin deficiency.
Duchenne muscular dystrophy (DMD). Also called: MUSCULAR DYSTROPHY, PSEUDOHYPERTROPHIC PROGRESSIVE, DUCHENNE TYPE; Duchenne Muscular Dystrophy (DMD). Identifiers: Orphanet 98896, MedGen C0013264, MONDO:0010679, OMIM 310200.
Cardiomyopathy (CMYO). Also called: Cardiomyopathies. Identifiers: Orphanet 167848, MedGen C0878544, MONDO:0004994, HP:0001638. Inheritance: Various modes of inheritance.
Dilated cardiomyopathy 3B (CMD3B). Also called: CMD3B: DMD-Related Dilated Cardiomyopathy; CARDIOMYOPATHY, DILATED, X-LINKED; DMD-Associated Dilated Cardiomyopathy. Identifiers: Orphanet 154, MedGen C3668940, MONDO:0010542, OMIM 302045.

Allele frequency attached by ClinVar (database versions not stated): gnomAD exomes 0.00002 and 0.00003; ExAC 0.00003; gnomAD 0.00003; TOPMed 0.00004; ESP Exome Variant Server 0.00009.
gnomAD v4.1: 20 of 1,208,864 alleles (0.0017%); highest among the groups gnomAD compares: Non-Finnish European, 0.0022%; no homozygotes.

Submissions (8):

CeGaT Center for Human Genetics Tuebingen
Classification: Likely benign. Last evaluated: 2026-04-01. Review status: criteria provided, single submitter. Criteria: CeGaT Center For Human Genetics Tuebingen Variant Classification Criteria Version 2. Collection method: clinical testing. Allele origin: germline. Affected: yes. Observed: 1 variant allele.
Comment: DMD: BS2

Labcorp Genetics (formerly Invitae), Labcorp
Classification: Likely benign for Duchenne muscular dystrophy. Last evaluated: 2025-10-01. Review status: criteria provided, single submitter. Criteria: Invitae Variant Classification Sherloc (09022015). Collection method: clinical testing. Allele origin: germline.

Revvity Omics, Revvity
Classification: Uncertain significance. Last evaluated: 2025-06-20. Review status: criteria provided, single submitter. Criteria: ACMG Guidelines, 2015. Collection method: clinical testing. Allele origin: germline.

GeneDx
Classification: Uncertain significance. Last evaluated: 2023-08-21. Review status: criteria provided, single submitter. Criteria: GeneDx Variant Classification Process June 2021. Collection method: clinical testing. Allele origin: germline. Affected: yes.
Comment: Has not been previously published as pathogenic or benign to our knowledge; In silico analysis supports that this missense variant has a deleterious effect on protein structure/function

Fulgent Genetics
Classification: Uncertain significance for Becker muscular dystrophy; Dilated cardiomyopathy 3B; Duchenne muscular dystrophy. Last evaluated: 2022-04-20. Review status: criteria provided, single submitter. Criteria: ACMG Guidelines, 2015. Collection method: clinical testing. Allele origin: unknown.

Illumina Laboratory Services, Illumina
Classification: Uncertain significance for Dilated cardiomyopathy 3B. Last evaluated: 2018-01-13. Review status: criteria provided, single submitter. Criteria: ICSL Variant Classification Criteria 13 December 2019. Collection method: clinical testing. Allele origin: germline.

Eurofins Ntd Llc (ga)
Classification: Uncertain significance. Last evaluated: 2016-07-18. Review status: criteria provided, single submitter. Criteria: EGL Classification Definitions 2015. Collection method: clinical testing. Allele origin: germline. Observed: 1 variant allele, 1 heterozygote.

Natera, Inc.
Classification: Uncertain significance for Becker muscular dystrophy; Cardiomyopathy; Duchenne muscular dystrophy; Dystrophin deficiency. Last evaluated: 2020-06-11. Review status: no assertion criteria provided. Collection method: clinical testing. Allele origin: germline. Not counted in ClinVar's aggregate classification.